The following is an entry in ClinVar:

NM_000179.3(MSH6):c.3673A>T (p.Thr1225Ser)

Gene: MSH6 (mutS homolog 6; plus strand). Cytogenetic location: 2p16.3.
Variant type: single nucleotide variant.
Coding change: c.3673A>T on transcript NM_000179.3 (MANE Select); coding-DNA position 3673, A replaced by T.
Protein change: p.Thr1225Ser; replaces threonine 1225 with serine.
Molecular consequence: missense variant. On other transcripts: non-coding transcript variant (5).
Genome position (GRCh38, 1-based): chr2:47,806,230, A>T. VCF-style: chr2-47806230-A-T. GRCh37 (hg19) VCF-style: chr2-48033369-A-T.
Other names: c.3283A>T, p.Thr1095Ser (NM_001281492.2); c.2767A>T, p.Thr923Ser (NM_001281493.2, NM_001281494.2, NM_001406811.1 and 6 more transcripts); c.3769A>T, p.Thr1257Ser (NM_001406795.1, NM_001406802.1); c.3673A>T, p.Thr1225Ser (NM_001406796.1, NM_001406800.1, NM_001406808.1 and 1 more transcripts); c.3376A>T, p.Thr1126Ser (NM_001406797.1, NM_001406801.1, NM_001406805.1 and 10 more transcripts); c.3499A>T, p.Thr1167Ser (NM_001406798.1); c.3148A>T, p.Thr1050Ser (NM_001406799.1, NM_001406806.1, NM_001406807.1); c.2809A>T, p.Thr937Ser (NM_001406803.1); and 7 more; short protein forms T1050S, T1095S, T1126S, T1167S, T1169S, T1199S, T1225S, T1227S.
Identifiers: ClinVar variation 4538530 (VCV004538530.2).

ClinVar aggregate classification (germline): Conflicting classifications of pathogenicity. Review status: criteria provided, conflicting classifications (1 of 4 stars). 2 submissions from 2 submitters: Likely pathogenic (1); Uncertain significance (1). Last evaluated 2026-05-18.

Conditions:
Hereditary cancer-predisposing syndrome. Also called: Neoplastic Syndromes, Hereditary; Tumor predisposition; Hereditary Cancer Syndrome; Hereditary neoplastic syndrome. Identifiers: Orphanet 140162, MedGen C0027672, MeSH D009386, MONDO:0015356.
Endometrial cancer. Also called: Endometrial cancer, somatic; malignant endometrial neoplasm. Identifiers: MedGen C0007103, MONDO:0011962.

Submissions (2):

Ambry Genetics
Classification: Uncertain significance for Hereditary cancer-predisposing syndrome. Last evaluated: 2026-05-18. Review status: criteria provided, single submitter. Criteria: Ambry Variant Classification Scheme 2023. Collection method: clinical testing. Allele origin: germline.
Comment: The p.T1225S variant (also known as c.3673A>T), located in coding exon 8 of the MSH6 gene, results from an A to T substitution at nucleotide position 3673. The threonine at codon 1225 is replaced by serine, an amino acid with similar properties. This amino acid position is highly conserved in available vertebrate species. In addition, this alteration is predicted to be deleterious by in silico analysis. Based on the available evidence, the clinical significance of this variant remains unclear.

Molecular Genetics, Labor Dr. Heidrich & Kollegen MVZ GmbH
Classification: Likely pathogenic for Endometrial cancer. Last evaluated: 2025-12-12. Review status: criteria provided, single submitter. Criteria: ACMG Guidelines, 2015. Collection method: clinical testing. Allele origin: germline. Inheritance: Autosomal dominant inheritance. Affected: yes.
Comment: Due to the segregation analysis, classification as class 4; 3 affected individuals with variant, 1 healthy sister without variant. matching criteria: PP1, Cosegregation with disease in multiple affected family members in a gene definitively known to cause the disease PP4, Patient's phenotype or family history is highly specific for a disease with a single genetic etiology PM2, Extremely low frequency in gnomAD population databases PM5, Different amino acid change as a known pathogenic variant BP1, Missense variant in a gene for which loss of function is the known mechanism of disease PP3, For a missense or a splicing region variant, computational prediction tools unanimously support a deleterious effect on the gene